The following is an entry in ClinVar:

NM_000051.4(ATM):c.6289G>T (p.Glu2097Ter)

Genes: C11orf65 (chromosome 11 open reading frame 65; minus strand), ATM (ATM serine/threonine kinase; plus strand). Cytogenetic location: 11q22.3.
Variant type: single nucleotide variant.
Coding change: c.6289G>T on transcript NM_000051.4 (MANE Select); coding-DNA position 6289, G replaced by T.
Protein change: p.Glu2097Ter; replaces glutamic acid 2097 with a stop codon.
Molecular consequence: nonsense. On other transcripts: intron variant (2).
Genome position (GRCh38, 1-based): chr11:108,317,463, G>T. VCF-style: chr11-108317463-G-T. GRCh37 (hg19) VCF-style: chr11-108188190-G-T.
Other names: c.6289G>T, p.Glu2097Ter (NM_001351834.2); c.641-8392C>A (NM_001330368.2); c.*39-8392C>A (NM_001351110.2); short protein forms E2097*.
Identifiers: ClinVar variation 478929 (VCV000478929.19), dbSNP rs1555114737, ClinGen allele CA382552045.

ClinVar aggregate classification (germline): Pathogenic/Likely pathogenic. Review status: criteria provided, multiple submitters, no conflicts (2 of 4 stars). 9 submissions from 9 submitters: Pathogenic (8); Likely pathogenic (1). Last evaluated 2025-10-26.

Conditions:
Hereditary cancer-predisposing syndrome. Also called: Neoplastic Syndromes, Hereditary; Hereditary Cancer Syndrome; Tumor predisposition; Hereditary neoplastic syndrome. Identifiers: Orphanet 140162, MedGen C0027672, MeSH D009386, MONDO:0015356.
ATM-related cancer predisposition. Also called: ATM-related cancer susceptibility. Identifiers: MedGen CN377759, MONDO:0700270.
Familial cancer of breast. Also called: Hereditary breast cancer; BREAST CANCER, FAMILIAL; hereditary breast carcinoma. Identifiers: Orphanet 227535, MedGen C0346153, MONDO:0016419, OMIM 114480. Disease mechanism: loss of function.
Ataxia-telangiectasia syndrome (AT). Also called: LOUIS-BAR SYNDROME; Cerebello-oculocutaneous telangiectasia; Immunodeficiency with ataxia telangiectasia; Ataxia-telangiectasia, complementation group D; AT, COMPLEMENTATION GROUP C; Ataxia-telangiectasia, complementation group E. Identifiers: Orphanet 100, MedGen C0004135, MONDO:0008840, OMIM 208900.

Allele frequency attached by ClinVar (database versions not stated): gnomAD exomes below 0.00001.
gnomAD v4.1: 5 of 1,610,776 alleles (0.00031%); highest among the groups gnomAD compares: Non-Finnish European, 0.00042%; no homozygotes.

Submissions (9):

Labcorp Genetics (formerly Invitae), Labcorp
Classification: Pathogenic for Ataxia-telangiectasia syndrome. Last evaluated: 2025-10-26. Review status: criteria provided, single submitter. Criteria: Invitae Variant Classification Sherloc (09022015). Collection method: clinical testing. Allele origin: germline.
Comment: This sequence change creates a premature translational stop signal (p.Glu2097*) in the ATM gene. It is expected to result in an absent or disrupted protein product. Loss-of-function variants in ATM are known to be pathogenic (PMID: 23807571, 25614872). This variant is not present in population databases (gnomAD no frequency). This variant has not been reported in the literature in individuals affected with ATM-related conditions. ClinVar contains an entry for this variant (Variation ID: 478929). For these reasons, this variant has been classified as Pathogenic.

3billion
Classification: Pathogenic for Ataxia-telangiectasia syndrome. Last evaluated: 2025-07-30. Review status: criteria provided, single submitter. Criteria: ACMG Guidelines, 2015. Collection method: clinical testing. Allele origin: germline. Affected: yes.
Comment: The variant is observed at an extremely low frequency in the gnomAD v4.1.0 dataset (total allele frequency: <0.001%). Predicted Consequence/Location: Stop-gained (nonsense): predicted to result in a loss or disruption of normal protein function through nonsense-mediated decay (NMD) or protein truncation. Multiple pathogenic variants are reported downstream of the variant. The variant has been reported at least twice as pathogenic with clinical assertions and evidence for the classification (ClinVar ID: VCV000478929). Therefore, this variant is classified as Pathogenic according to the recommendation of ACMG/AMP guideline.

Molecular Diagnostics Laboratory, Catalan Institute of Oncology
Classification: Pathogenic for Hereditary cancer-predisposing syndrome. Last evaluated: 2025-05-06. Review status: criteria provided, single submitter. Criteria: ClinGen ACMG Specifications ATM V1.1.0. Collection method: clinical testing. Allele origin: germline.
Comment: PVS1, PM2_Supporting, PM5_Supporting c.6289G>T, located in exon 43 of the ATM gene, is a nonsense variant expected to result in loss of function by premature protein truncation and nonsense-mediated mRNA decay (PVS1). It is predicted to convey a premature termination upstream codon 3047 (PM5_Supporting). It is not present in the population database gnomAD v2.1.1, non-cancer dataset (PM2_Supporting). The SpliceAI algorithm predicts no significant impact on splicing. To our knowledge, neither relevant clinical data nor well-established functional studies have been reported for this variant. This variant has been reported in the ClinVar database (4x pathogenic, 1x likely pathogenic), and has not been reported in the LOVD database. Based on currently available information, the variant c.6289G>T should be considered a pathogenic variant according to ACMG Classification Rules Specified for ATM v1.1.

GeneDx
Classification: Pathogenic. Last evaluated: 2025-04-22. Review status: criteria provided, single submitter. Criteria: GeneDx Variant Classification Process June 2021. Collection method: clinical testing. Allele origin: germline. Affected: yes.
Comment: Nonsense variant predicted to result in protein truncation or nonsense mediated decay in a gene for which loss of function is a known mechanism of disease; Not observed at significant frequency in large population cohorts (gnomAD); Truncating variants in this gene are considered pathogenic by a well-established clinical consortium and/or database; Observed in individuals with ATM-related cancers (PMID: 30625039, 30303537); This variant is associated with the following publications: (PMID: 30303537, 31050087, 30625039)

Ambry Genetics
Classification: Pathogenic for Hereditary cancer-predisposing syndrome. Last evaluated: 2025-03-21. Review status: criteria provided, single submitter. Criteria: Ambry Variant Classification Scheme 2023. Collection method: clinical testing. Allele origin: germline.
Comment: The p.E2097* pathogenic mutation (also known as c.6289G>T), located in coding exon 42 of the ATM gene, results from a G to T substitution at nucleotide position 6289. This changes the amino acid from a glutamic acid to a stop codon within coding exon 42. This alteration is expected to result in loss of function by premature protein truncation or nonsense-mediated mRNA decay. As such, this alteration is interpreted as a disease-causing mutation.

Myriad Genetics, Inc.
Classification: Pathogenic for Familial cancer of breast. Last evaluated: 2024-01-29. Review status: criteria provided, single submitter. Criteria: Myriad Autosomal Dominant, Autosomal Recessive and X-Linked Classification Criteria (2023). Collection method: clinical testing. Allele origin: unknown.
Comment: This variant is considered pathogenic. This variant creates a termination codon and is predicted to result in premature protein truncation.

Institute for Genomic Medicine (IGM) Clinical Laboratory, Nationwide Children's Hospital
Classification: Pathogenic for ATM-related cancer predisposition. Last evaluated: 2023-01-19. Review status: criteria provided, single submitter. Criteria: ACMG Guidelines, 2015. Collection method: clinical testing. Allele origin: germline.
Comment: This variant is predicted to result in loss of function through nonsense-mediated decay of the encoded transcript or premature truncation of the encoded protein in a gene in which loss of function is a known mechanism of disease (ACMG/AMP: PVS1). This variant has been reported at an elevated frequency in affected individuals/in multiple affected individuals in the literature (ACMG/AMP: PS4_Supporting; PMID:30303537). This variant is absent from or present at an exceedingly low frequency in gnomAD, a large-scale control population database (ACMG/AMP: PM2).

Color Diagnostics, LLC DBA Color Health
Classification: Pathogenic for Hereditary cancer-predisposing syndrome. Last evaluated: 2022-12-05. Review status: criteria provided, single submitter. Criteria: ACMG Guidelines, 2015. Collection method: clinical testing. Allele origin: germline.
Comment: This variant changes 1 nucleotide in exon 43 of the ATM gene, creating a premature translation stop signal. This variant is expected to result in an absent or non-functional protein product. To our knowledge, this variant has not been reported in individuals affected with hereditary cancer in the literature. This variant has not been identified in the general population by the Genome Aggregation Database (gnomAD). Loss of ATM function is a known mechanism of disease. Based on the available evidence, this variant is classified as Pathogenic.

Sema4
Classification: Likely pathogenic for Hereditary cancer-predisposing syndrome. Last evaluated: 2021-09-15. Review status: criteria provided, single submitter. Criteria: Sema4 Curation Guidelines. Collection method: curation. Allele origin: germline.
Comment: The ATM c.6289G>T (p.E2097X) variant has been reported in heterozygosity in at least one individual with breast cancer (PMID: 30303537). This nonsense variant creates a premature stop codon at residue 2097 of the ATM protein. At this location, nonsense-mediated decay is predicted to occur, resulting in the absence of the ATM protein and loss of function. Loss of function variants in ATM are known to be pathogenic (PMID: 31050087). This variant is not reported in the Genome Aggregation Database (PMID: 32461654), but has been reported in ClinVar (Variation ID: 478929). Based on the current evidence available, this variant is interpreted as likely pathogenic.

Literature cited by the submitters: PubMed 23807571 (cited by Labcorp Genetics (formerly Invitae), Labcorp); PubMed 25614872 (cited by Labcorp Genetics (formerly Invitae), Labcorp); PubMed 30303537 (cited by Institute for Genomic Medicine (IGM) Clinical Laboratory, Nationwide Children's Hospital and Sema4); PubMed 31050087 (cited by Sema4).